The following is an entry in ClinVar:

NM_000179.3(MSH6):c.1180T>G (p.Ser394Ala)

Gene: MSH6 (mutS homolog 6; plus strand). Cytogenetic location: 2p16.3.
Variant type: single nucleotide variant.
Coding change: c.1180T>G on transcript NM_000179.3 (MANE Select); coding-DNA position 1180, T replaced by G.
Protein change: p.Ser394Ala; replaces serine 394 with alanine.
Molecular consequence: missense variant.
Genome position (GRCh38, 1-based): chr2:47,799,163, T>G. VCF-style: chr2-47799163-T-G. GRCh37 (hg19) VCF-style: chr2-48026302-T-G.
Other names: c.790T>G, p.Ser264Ala (NM_001281492.2); c.274T>G, p.Ser92Ala (NM_001281493.2, NM_001281494.2); short protein forms S394A, S92A, S264A.
Identifiers: ClinVar variation 433908 (VCV000433908.13), dbSNP rs1553412587, ClinGen allele CA346742373.
Genomic context (GRCh38, chr2:47,799,163, plus strand): 5'-AAGGAGGAAAAGAGAAGAGATGAGCACAGGAGGAGGCCTGATCACCCCGATTTTGATGCA[T>G]CTACACTCTATGTGCCTGAGGATTTCCTCAATTCTTGTACTCCTGGGATGAGGAAGTGGT-3'
Protein context (NP_000170.1, residues 384-404): RRPDHPDFDA[Ser394Ala]TLYVPEDFLN

ClinVar aggregate classification (germline): Uncertain significance. Review status: criteria provided, multiple submitters, no conflicts (2 of 4 stars). 3 submissions from 3 submitters: Uncertain significance (2). 1 of the submissions does not count toward it. Last evaluated 2024-11-18.

Conditions:
Hereditary cancer-predisposing syndrome. Also called: Hereditary neoplastic syndrome; Hereditary Cancer Syndrome; Tumor predisposition; Neoplastic Syndromes, Hereditary. Identifiers: Orphanet 140162, MedGen C0027672, MeSH D009386, MONDO:0015356.
Hereditary nonpolyposis colorectal neoplasms. Identifiers: MedGen C0009405, MeSH D003123.
Carcinoma of colon (CRC). Also called: Colon carcinoma; Colonic carcinoma. Identifiers: MedGen C0699790, MONDO:0002032.

Submissions (3):

Labcorp Genetics (formerly Invitae), Labcorp
Classification: Uncertain significance for Hereditary nonpolyposis colorectal neoplasms. Last evaluated: 2024-11-18. Review status: criteria provided, single submitter. Criteria: Invitae Variant Classification Sherloc (09022015). Collection method: clinical testing. Allele origin: germline.
Comment: This sequence change replaces serine, which is neutral and polar, with alanine, which is neutral and non-polar, at codon 394 of the MSH6 protein (p.Ser394Ala). This variant is not present in population databases (gnomAD no frequency). This variant has not been reported in the literature in individuals affected with MSH6-related conditions. ClinVar contains an entry for this variant (Variation ID: 433908). Invitae Evidence Modeling of protein sequence and biophysical properties (such as structural, functional, and spatial information, amino acid conservation, physicochemical variation, residue mobility, and thermodynamic stability) indicates that this missense variant is not expected to disrupt MSH6 protein function with a negative predictive value of 95%. Experimental studies have shown that this missense change does not substantially affect MSH6 function (PMID: 31965077). In summary, the available evidence is currently insufficient to determine the role of this variant in disease. Therefore, it has been classified as a Variant of Uncertain Significance.

Ambry Genetics
Classification: Uncertain significance for Hereditary cancer-predisposing syndrome. Last evaluated: 2024-05-03. Review status: criteria provided, single submitter. Criteria: Ambry Variant Classification Scheme 2023. Collection method: clinical testing. Allele origin: germline.
Comment: The p.S394A variant (also known as c.1180T>G), located in coding exon 4 of the MSH6 gene, results from a T to G substitution at nucleotide position 1180. The serine at codon 394 is replaced by alanine, an amino acid with similar properties. This amino acid position is not well conserved in available vertebrate species. In addition, this alteration is predicted to be tolerated by in silico analysis. Based on the available evidence, the clinical significance of this variant remains unclear.

Department of Pathology and Laboratory Medicine, Sinai Health System
Classification: Likely benign for Carcinoma of colon. Review status: no assertion criteria provided. Collection method: clinical testing. Allele origin: unknown. Affected: yes. Study: The Canadian Open Genetics Repository (COGR). Not counted in ClinVar's aggregate classification.
Comment: The p.Ser394Ala variant has not been previously reported in the literature. This residue is not conserved in mammals and computational analyses (PolyPhen, SIFT, AlignGVGD) do not suggest a high likelihood of impact to the protein. However, this information is not predictive enough to rule out pathogenicity. The identification of this variant in the present of a second pathogenic variant increases the likelihood that this variant does not have clinical significance. In summary, based on the above information, the clinical significance of this variant cannot be determined with certainty at this time although we would lean towards a more benign role for this variant. This variant is classified as predicted benign.

Literature cited by the submitters: PubMed 31965077 (cited by Labcorp Genetics (formerly Invitae), Labcorp).